The following is an entry in ClinVar:

ClinVar aggregate classification (germline): Likely benign (1 of 4 stars; one submission).

Allele frequency attached by ClinVar (database versions not stated): ExAC 0.00052.

Submission:

CeGaT Center for Human Genetics Tuebingen
Classification: Likely benign. Last evaluated: 2022-08-01. Review status: criteria provided, single submitter. Criteria: CeGaT Center For Human Genetics Tuebingen Variant Classification Criteria Version 2. Collection method: clinical testing. Allele origin: germline. Affected: yes. Observed: 1 variant allele.
Comment: PCSK7: BP4, BP7

NM_004716.4(PCSK7):c.1917C>T (p.His639=)

Genes: PCSK7 (proprotein convertase subtilisin/kexin type 7; minus strand), TAGLN (transgelin; plus strand). Cytogenetic location: 11q23.3.
Variant type: single nucleotide variant.
Coding change: c.1917C>T on transcript NM_004716.4 (MANE Select); coding-DNA position 1917, C replaced by T.
Protein change: p.His639=; no amino-acid change (histidine 639 retained).
Molecular consequence: synonymous variant. On other transcripts: 3 prime UTR variant (2).
Genome position (GRCh38, 1-based): chr11:117,206,762, G>A on the plus strand (C>T on the coding strand, the complement: PCSK7 is on the minus strand). VCF-style: chr11-117206762-G-A. GRCh37 (hg19) VCF-style: chr11-117077478-G-A.
Other names: c.*2403G>A (NM_001001522.2, NM_003186.5).
Identifiers: ClinVar variation 2642406 (VCV002642406.24), dbSNP rs566833105, ClinGen allele CA6292699.